The following is an entry in ClinVar:

ClinVar aggregate classification (germline): Uncertain significance (1 of 4 stars; one submission).

Submission:

Labcorp Genetics (formerly Invitae), Labcorp
Classification: Uncertain significance. Last evaluated: 2023-12-11. Review status: criteria provided, single submitter. Criteria: Invitae Variant Classification Sherloc (09022015). Collection method: clinical testing. Allele origin: germline.
Comment: This sequence change replaces alanine, which is neutral and non-polar, with aspartic acid, which is acidic and polar, at codon 21 of the SLC25A19 protein (p.Ala21Asp). This variant is not present in population databases (gnomAD no frequency). This variant has not been reported in the literature in individuals affected with SLC25A19-related conditions. ClinVar contains an entry for this variant (Variation ID: 1977898). Advanced modeling of protein sequence and biophysical properties (such as structural, functional, and spatial information, amino acid conservation, physicochemical variation, residue mobility, and thermodynamic stability) performed at Invitae indicates that this missense variant is expected to disrupt SLC25A19 protein function with a positive predictive value of 80%. In summary, the available evidence is currently insufficient to determine the role of this variant in disease. Therefore, it has been classified as a Variant of Uncertain Significance.

NM_001126121.2(SLC25A19):c.62C>A (p.Ala21Asp)

Gene: SLC25A19 (solute carrier family 25 member 19; minus strand). Cytogenetic location: 17q25.1.
Variant type: single nucleotide variant.
Coding change: c.62C>A on transcript NM_001126121.2 (MANE Select); coding-DNA position 62, C replaced by A.
Protein change: p.Ala21Asp; replaces alanine 21 with aspartic acid.
Molecular consequence: missense variant.
Genome position (GRCh38, 1-based): chr17:75,286,703, G>T on the plus strand (C>A on the coding strand, the complement: SLC25A19 is on the minus strand). VCF-style: chr17-75286703-G-T. GRCh37 (hg19) VCF-style: chr17-73282784-G-T.
Other names: c.62C>A, p.Ala21Asp (NM_001126122.2, NM_021734.5); short protein forms A21D.
Identifiers: ClinVar variation 1977898 (VCV001977898.5), dbSNP rs2545207193, ClinGen allele CA401005618.